The following is an entry in ClinVar:

ClinVar aggregate classification (germline): Uncertain significance. Review status: criteria provided, multiple submitters, no conflicts (2 of 4 stars). 2 submissions from 2 submitters: Uncertain significance (2). Last evaluated 2021-12-08.

gnomAD v4.1: 6 of 1,613,416 alleles (0.00037%); highest among the groups gnomAD compares: East Asian, 0.0022%; no homozygotes.

Submissions (2):

Labcorp Genetics (formerly Invitae), Labcorp
Classification: Uncertain significance. Last evaluated: 2021-12-08. Review status: criteria provided, single submitter. Criteria: Invitae Variant Classification Sherloc (09022015). Collection method: clinical testing. Allele origin: germline.
Comment: In summary, the available evidence is currently insufficient to determine the role of this variant in disease. Therefore, it has been classified as a Variant of Uncertain Significance. This sequence change replaces arginine, which is basic and polar, with tryptophan, which is neutral and slightly polar, at codon 229 of the MDH2 protein (p.Arg229Trp). This variant is present in population databases (no rsID available, gnomAD 0.0009%). This variant has not been reported in the literature in individuals affected with MDH2-related conditions. Algorithms developed to predict the effect of missense changes on protein structure and function (SIFT, PolyPhen-2, Align-GVGD) all suggest that this variant is likely to be disruptive.

Breakthrough Genomics
Classification: Uncertain significance. Review status: criteria provided, single submitter. Criteria: ACMG Guidelines, 2015. Collection method: not provided. Allele origin: germline. Inheritance: Autosomal recessive inheritance. Affected: yes.

NM_005918.4(MDH2):c.685C>T (p.Arg229Trp)

Gene: MDH2 (malate dehydrogenase 2; plus strand). Cytogenetic location: 7q11.23.
Variant type: single nucleotide variant.
Coding change: c.685C>T on transcript NM_005918.4 (MANE Select); coding-DNA position 685, C replaced by T.
Protein change: p.Arg229Trp; replaces arginine 229 with tryptophan.
Molecular consequence: missense variant.
Genome position (GRCh38, 1-based): chr7:76,064,390, C>T. VCF-style: chr7-76064390-C-T. GRCh37 (hg19) VCF-style: chr7-75693708-C-T.
Other names: c.559C>T, p.Arg187Trp (NM_001282403.2); c.364C>T, p.Arg122Trp (NM_001282404.2); short protein forms R122W, R229W, R187W.
Identifiers: ClinVar variation 1918428 (VCV001918428.6), dbSNP rs139870141, ClinGen allele CA367767422.